The following is an entry in ClinVar:

ClinVar aggregate classification (germline): Uncertain significance (1 of 4 stars; one submission).

Conditions:
Inborn genetic diseases. Identifiers: MedGen C0950123, MeSH D030342.

Submission:

Ambry Genetics
Classification: Uncertain significance for Inborn genetic diseases. Last evaluated: 2026-04-25. Review status: criteria provided, single submitter. Criteria: Ambry Variant Classification Scheme 2023. Collection method: clinical testing. Allele origin: germline.
Comment: The p.F211L variant (also known as c.633C>G), located in coding exon 7 of the FANCA gene, results from a C to G substitution at nucleotide position 633. The phenylalanine at codon 211 is replaced by leucine, an amino acid with highly similar properties. This amino acid position is conserved. In addition, this alteration is predicted to be tolerated by in silico analysis. Based on the available evidence, the clinical significance of this variant remains unclear.

NM_000135.4(FANCA):c.633C>G (p.Phe211Leu)

Gene: FANCA (FA complementation group A; minus strand). Cytogenetic location: 16q24.3.
Variant type: single nucleotide variant.
Coding change: c.633C>G on transcript NM_000135.4 (MANE Select); coding-DNA position 633, C replaced by G.
Protein change: p.Phe211Leu; replaces phenylalanine 211 with leucine.
Molecular consequence: missense variant.
Genome position (GRCh38, 1-based): chr16:89,805,356, G>C on the plus strand (C>G on the coding strand, the complement: FANCA is on the minus strand). VCF-style: chr16-89805356-G-C. GRCh37 (hg19) VCF-style: chr16-89871764-G-C.
Other names: c.633C>G, p.Phe211Leu (NM_001018112.3, NM_001286167.3); c.537C>G, p.Phe179Leu (NM_001351830.2); short protein forms F179L, F211L.
Identifiers: ClinVar variation 4870850 (VCV004870850.1).
Genomic context (GRCh38, chr16:89,805,356, plus strand): 5'-GGCGACGTCAGCATGCTGGCAGGATGCTTCCATCTGTTCACAAAGGCAGCACAGATTCCT[G>C]AAGAGCCACGATCCCACAGCATGCATGTCGGGATGGCTGGAGACACACACAGAGGCAGAC-3'
Protein context (NP_000126.2, residues 201-221): PDMHAVGSWL[Phe211Leu]RNLCCLCEQM